The following is an entry in ClinVar:

ClinVar aggregate classification (germline): Uncertain significance (1 of 4 stars; one submission).

Submission:

Labcorp Genetics (formerly Invitae), Labcorp
Classification: Uncertain significance. Last evaluated: 2022-09-28. Review status: criteria provided, single submitter. Criteria: Invitae Variant Classification Sherloc (09022015). Collection method: clinical testing. Allele origin: germline.
Comment: In summary, the available evidence is currently insufficient to determine the role of this variant in disease. Therefore, it has been classified as a Variant of Uncertain Significance. This sequence change replaces glycine, which is neutral and non-polar, with glutamic acid, which is acidic and polar, at codon 225 of the IDH3B protein (p.Gly225Glu). This variant is not present in population databases (gnomAD no frequency). This variant has not been reported in the literature in individuals affected with IDH3B-related conditions. Algorithms developed to predict the effect of missense changes on protein structure and function are either unavailable or do not agree on the potential impact of this missense change (SIFT: "Not Available"; PolyPhen-2: "Probably Damaging"; Align-GVGD: "Not Available"). Algorithms developed to predict the effect of sequence changes on RNA splicing suggest that this variant may disrupt the consensus splice site.

NM_006899.5(IDH3B):c.674G>A (p.Gly225Glu)

Gene: IDH3B (isocitrate dehydrogenase (NAD(+)) 3 non-catalytic subunit beta; minus strand). Cytogenetic location: 20p13.
Variant type: single nucleotide variant.
Coding change: c.674G>A on transcript NM_006899.5 (MANE Select); coding-DNA position 674, G replaced by A.
Protein change: p.Gly225Glu; replaces glycine 225 with glutamic acid.
Molecular consequence: missense variant. On other transcripts: non-coding transcript variant (1).
Genome position (GRCh38, 1-based): chr20:2,660,357, C>T on the plus strand (G>A on the coding strand, the complement: IDH3B is on the minus strand). VCF-style: chr20-2660357-C-T. GRCh37 (hg19) VCF-style: chr20-2641003-C-T.
Other names: c.674G>A, p.Gly225Glu (NM_001258384.3, NM_001330763.2, NM_174855.4); short protein forms G225E.
Identifiers: ClinVar variation 1720575 (VCV001720575.4), dbSNP rs2514759540, ClinGen allele CA408036794.